The following is an entry in ClinVar:

ClinVar aggregate classification (germline): Uncertain significance (1 of 4 stars; one submission).

Conditions:
Landau-Kleffner syndrome (FESD). Also called: EPILEPSY, FOCAL, WITH SPEECH DISORDER AND WITH OR WITHOUT MENTAL RETARDATION; APHASIA, ACQUIRED, WITH EPILEPSY. Identifiers: Orphanet 1945, Orphanet 725, Orphanet 98818, MedGen C0282512, MONDO:0009509, OMIM 245570.

Submission:

Labcorp Genetics (formerly Invitae), Labcorp
Classification: Uncertain significance for Landau-Kleffner syndrome. Last evaluated: 2024-02-26. Review status: criteria provided, single submitter. Criteria: Invitae Variant Classification Sherloc (09022015). Collection method: clinical testing. Allele origin: germline.
Comment: This sequence change replaces glycine, which is neutral and non-polar, with serine, which is neutral and polar, at codon 786 of the GRIN2A protein (p.Gly786Ser). This variant also falls at the last nucleotide of exon 12, which is part of the consensus splice site for this exon. This variant is not present in population databases (gnomAD no frequency). This variant has not been reported in the literature in individuals affected with GRIN2A-related conditions. ClinVar contains an entry for this variant (Variation ID: 2116180). An algorithm developed to predict the effect of missense changes on protein structure and function (PolyPhen-2) suggests that this variant is likely to be disruptive. Variants that disrupt the consensus splice site are a relatively common cause of aberrant splicing (PMID: 17576681, 9536098). Algorithms developed to predict the effect of sequence changes on RNA splicing suggest that this variant may disrupt the consensus splice site. In summary, the available evidence is currently insufficient to determine the role of this variant in disease. Therefore, it has been classified as a Variant of Uncertain Significance.

Literature cited by the submitters: PubMed 17576681; PubMed 9536098.

NM_001134407.3(GRIN2A):c.2356G>A (p.Gly786Ser)

Gene: GRIN2A (glutamate ionotropic receptor NMDA type subunit 2A; minus strand). Cytogenetic location: 16p13.2.
Variant type: single nucleotide variant.
Coding change: c.2356G>A on transcript NM_001134407.3 (MANE Select); coding-DNA position 2356, G replaced by A.
Protein change: p.Gly786Ser; replaces glycine 786 with serine.
Molecular consequence: missense variant.
Genome position (GRCh38, 1-based): chr16:9,798,277, C>T on the plus strand (G>A on the coding strand, the complement: GRIN2A is on the minus strand). VCF-style: chr16-9798277-C-T. GRCh37 (hg19) VCF-style: chr16-9892134-C-T.
Other names: c.2356G>A, p.Gly786Ser (NM_000833.5, NM_001134408.2); short protein forms G786S.
Identifiers: ClinVar variation 2116180 (VCV002116180.4), dbSNP rs2506038704, ClinGen allele CA394796932.